The following is an entry in ClinVar:

NM_004304.5(ALK):c.401A>G (p.Lys134Arg)

Gene: ALK (ALK receptor tyrosine kinase; minus strand). Cytogenetic location: 2p23.1.
Variant type: single nucleotide variant.
Coding change: c.401A>G on transcript NM_004304.5 (MANE Select); coding-DNA position 401, A replaced by G.
Protein change: p.Lys134Arg; replaces lysine 134 with arginine.
Molecular consequence: missense variant.
Genome position (GRCh38, 1-based): chr2:29,920,259, T>C on the plus strand (A>G on the coding strand, the complement: ALK is on the minus strand). VCF-style: chr2-29920259-T-C. GRCh37 (hg19) VCF-style: chr2-30143125-T-C.
Other names: short protein forms K134R.
Identifiers: ClinVar variation 1737086 (VCV001737086.3), dbSNP rs2465866201, ClinGen allele CA346590119.

ClinVar aggregate classification (germline): Uncertain significance. Review status: criteria provided, multiple submitters, no conflicts (2 of 4 stars). 2 submissions from 2 submitters: Uncertain significance (2). Last evaluated 2025-04-24.

Conditions:
Neuroblastoma, susceptibility to, 3. Also called: ALK-Related Neuroblastic Tumor Susceptibility. Identifiers: Orphanet 635, MedGen C2751681, MONDO:0013083, OMIM 613014.
Hereditary cancer-predisposing syndrome. Also called: Neoplastic Syndromes, Hereditary; Tumor predisposition; Hereditary Cancer Syndrome; Hereditary neoplastic syndrome. Identifiers: Orphanet 140162, MedGen C0027672, MeSH D009386, MONDO:0015356.

Submissions (2):

Labcorp Genetics (formerly Invitae), Labcorp
Classification: Uncertain significance for Neuroblastoma, susceptibility to, 3. Last evaluated: 2025-04-24. Review status: criteria provided, single submitter. Criteria: Invitae Variant Classification Sherloc (09022015). Collection method: clinical testing. Allele origin: germline.
Comment: This sequence change replaces lysine, which is basic and polar, with arginine, which is basic and polar, at codon 134 of the ALK protein (p.Lys134Arg). This variant is not present in population databases (gnomAD no frequency). This variant has not been reported in the literature in individuals affected with ALK-related conditions. ClinVar contains an entry for this variant (Variation ID: 1737086). An algorithm developed to predict the effect of missense changes on protein structure and function (PolyPhen-2) suggests that this variant is likely to be disruptive. In summary, the available evidence is currently insufficient to determine the role of this variant in disease. Therefore, it has been classified as a Variant of Uncertain Significance.

Ambry Genetics
Classification: Uncertain significance for Hereditary cancer-predisposing syndrome. Last evaluated: 2022-05-12. Review status: criteria provided, single submitter. Criteria: Ambry Variant Classification Scheme 2023. Collection method: clinical testing. Allele origin: germline.
Comment: The p.K134R variant (also known as c.401A>G), located in coding exon 1 of the ALK gene, results from an A to G substitution at nucleotide position 401. The lysine at codon 134 is replaced by arginine, an amino acid with highly similar properties. This amino acid position is conserved. In addition, the in silico prediction for this alteration is inconclusive. Since supporting evidence is limited at this time, the clinical significance of this alteration remains unclear.